The following is an entry in ClinVar:

ClinVar aggregate classification (germline): Uncertain significance. Review status: criteria provided, multiple submitters, no conflicts (2 of 4 stars). 2 submissions from 2 submitters: Uncertain significance (2). Last evaluated 2024-10-23.

Conditions:
Neurodegeneration with brain iron accumulation 5 (NBIA5). Also called: Beta-propeller protein-associated neurodegeneration; STATIC ENCEPHALOPATHY OF CHILDHOOD WITH NEURODEGENERATION IN ADULTHOOD. Identifiers: Orphanet 329284, MedGen C3550973, MONDO:0010476, OMIM 300894.

Allele frequency attached by ClinVar (database versions not stated): gnomAD exomes below 0.00001; TOPMed 0.00001.
gnomAD v4.1: 2 of 1,209,756 alleles (0.00017%); highest among the groups gnomAD compares: African/African-American, 0.0017%; no homozygotes.

Submissions (2):

GeneDx
Classification: Uncertain significance. Last evaluated: 2024-10-23. Review status: criteria provided, single submitter. Criteria: GeneDx Variant Classification Process June 2021. Collection method: clinical testing. Allele origin: germline. Affected: yes.
Comment: In silico analysis supports that this missense variant has a deleterious effect on protein structure/function; Has not been previously published as pathogenic or benign to our knowledge

Labcorp Genetics (formerly Invitae), Labcorp
Classification: Uncertain significance for Neurodegeneration with brain iron accumulation 5. Last evaluated: 2023-06-04. Review status: criteria provided, single submitter. Criteria: Invitae Variant Classification Sherloc (09022015). Collection method: clinical testing. Allele origin: germline.
Comment: In summary, the available evidence is currently insufficient to determine the role of this variant in disease. Therefore, it has been classified as a Variant of Uncertain Significance. Advanced modeling of protein sequence and biophysical properties (such as structural, functional, and spatial information, amino acid conservation, physicochemical variation, residue mobility, and thermodynamic stability) performed at Invitae indicates that this missense variant is not expected to disrupt WDR45 protein function. This variant has not been reported in the literature in individuals affected with WDR45-related conditions. This variant is not present in population databases (gnomAD no frequency). This sequence change replaces proline, which is neutral and non-polar, with leucine, which is neutral and non-polar, at codon 145 of the WDR45 protein (p.Pro145Leu).

NM_001029896.2(WDR45):c.431C>T (p.Pro144Leu)

Gene: WDR45 (WD repeat domain 45; minus strand). Cytogenetic location: Xp11.23.
Variant type: single nucleotide variant.
Coding change: c.431C>T on transcript NM_001029896.2 (MANE Select); coding-DNA position 431, C replaced by T.
Protein change: p.Pro144Leu; replaces proline 144 with leucine.
Molecular consequence: missense variant.
Genome position (GRCh38, 1-based): chrX:49,076,435, G>A on the plus strand (C>T on the coding strand, the complement: WDR45 is on the minus strand). VCF-style: chrX-49076435-G-A. GRCh37 (hg19) VCF-style: chrX-48934094-G-A.
Other names: c.434C>T, p.Pro145Leu (NM_007075.4); c.434C>T (NM_007075.3); short protein forms P144L, P145L.
Identifiers: ClinVar variation 3014825 (VCV003014825.4), dbSNP rs907563420, ClinGen allele CA329137710.